The following is an entry in ClinVar:

NM_024675.4(PALB2):c.3113+5G>A

Gene: PALB2 (partner and localizer of BRCA2; minus strand). Cytogenetic location: 16p12.2.
Variant type: single nucleotide variant.
Coding change: c.3113+5G>A on transcript NM_024675.4 (MANE Select); 5 bases into the intron after coding-DNA position 3113, G replaced by A.
Molecular consequence: intron variant.
Genome position (GRCh38, 1-based): chr16:23,621,357, C>T on the plus strand (G>A on the coding strand, the complement: PALB2 is on the minus strand). VCF-style: chr16-23621357-C-T. GRCh37 (hg19) VCF-style: chr16-23632678-C-T.
Identifiers: ClinVar variation 663588 (VCV000663588.17), dbSNP rs876659463, ClinGen allele CA915949162.
Genomic context (GRCh38, chr16:23,621,357, plus strand): 5'-GTAAAATTAGAGGTATATCCTCATACTACAGATGAGGGAACTGAGGACCTAGAGGGAAAG[C>T]TTACCAAATAACAATGTTGTTCATAATAGTAGTACCAAGCAGAGCTTCTTGCATCCCTTG-3'

ClinVar aggregate classification (germline): Likely pathogenic. Review status: criteria provided, multiple submitters, no conflicts (2 of 4 stars). 3 submissions from 3 submitters: Likely pathogenic (3). Last evaluated 2026-04-15.

Conditions:
Hereditary cancer-predisposing syndrome. Also called: Tumor predisposition; Hereditary Cancer Syndrome; Neoplastic Syndromes, Hereditary; Hereditary neoplastic syndrome. Identifiers: Orphanet 140162, MedGen C0027672, MeSH D009386, MONDO:0015356.
Familial cancer of breast. Also called: hereditary breast carcinoma; Hereditary breast cancer; BREAST CANCER, FAMILIAL. Identifiers: Orphanet 227535, MedGen C0346153, MONDO:0016419, OMIM 114480. Disease mechanism: loss of function.

Submissions (4):

Ambry Genetics
Classification: Likely pathogenic for Hereditary cancer-predisposing syndrome. Last evaluated: 2026-04-15. Review status: criteria provided, single submitter. Criteria: Ambry Variant Classification Scheme 2023. Collection method: clinical testing. Allele origin: germline.
Comment: The c.3113+5G>A intronic variant results from a G to A substitution 5 nucleotides after coding exon 10 in the PALB2 gene. This nucleotide position is highly conserved in available vertebrate species. In silico splice site analysis predicts that this alteration may weaken the native splice donor site. RNA studies have demonstrated that this alteration results in abnormal splicing in the set of samples tested (Ambry internal data). Another alteration impacting the same donor site (c.3113+5G>C) has been shown to have a similar impact on splicing, and was reported in one parent of an individual with a clinical diagnosis of Fanconi anemia (FA), who was presumed to be compound heterozygous for c.3113+5C>G and c.395delT (Lopez-Perolio I et al. J. Med. Genet. 2019 Jul;56:453-460; Reid S et al. Nat. Genet. 2007 Feb; 39(2):162-4). This variant was not reported in population-based cohorts in the Genome Aggregation Database (gnomAD). Based on the majority of available evidence to date, this variant is likely to be pathogenic.

Labcorp Genetics (formerly Invitae), Labcorp
Classification: Likely pathogenic for Familial cancer of breast. Last evaluated: 2025-10-27. Review status: criteria provided, single submitter. Criteria: Invitae Variant Classification Sherloc (09022015). Collection method: clinical testing. Allele origin: germline.
Comment: This sequence change falls in intron 10 of the PALB2 gene. It does not directly change the encoded amino acid sequence of the PALB2 protein. It affects a nucleotide within the consensus splice site. This variant is not present in population databases (gnomAD no frequency). This variant has not been reported in the literature in individuals affected with PALB2-related conditions. ClinVar contains an entry for this variant (Variation ID: 663588). Variants that disrupt the consensus splice site are a relatively common cause of aberrant splicing (PMID: 17576681, 9536098). Studies have shown that this variant is associated with inconclusive levels of altered splicing (internal data). This variant disrupts the c.3113+5G nucleotide in the PALB2 gene. Other variant(s) that disrupt this nucleotide have been determined to be pathogenic (PMID: 17200671, 30890586). This suggests that this nucleotide is clinically significant, and that variants that disrupt this position are likely to be disease-causing. In summary, the currently available evidence indicates that the variant is pathogenic, but additional data are needed to prove that conclusively. Therefore, this variant has been classified as Likely Pathogenic.

Center for Genomic Medicine, Rigshospitalet, Copenhagen University Hospital
Classification: Likely pathogenic. Last evaluated: 2025-03-04. Review status: criteria provided, single submitter. Criteria: ACMG Guidelines, 2015. Collection method: clinical testing. Allele origin: germline.

Dr. Peter K. Rogan Lab, Western University
No classification provided (evidence only). Condition: Uterine corpus endometrial carcinoma. Review status: no classification provided. Collection method: in vitro. Allele origin: not applicable. Functional consequence: retained intron. Not counted in ClinVar's aggregate classification.

Literature cited by the submitters: PubMed 17576681 (cited by Labcorp Genetics (formerly Invitae), Labcorp); PubMed 9536098 (cited by Labcorp Genetics (formerly Invitae), Labcorp); PubMed 17200671 (cited by Labcorp Genetics (formerly Invitae), Labcorp); PubMed 30890586 (cited by Labcorp Genetics (formerly Invitae), Labcorp).